The following is an entry in ClinVar:

NM_000264.5(PTCH1):c.194T>C (p.Ile65Thr)

Gene: PTCH1 (patched 1; minus strand). Cytogenetic location: 9q22.32.
Variant type: single nucleotide variant.
Coding change: c.194T>C on transcript NM_000264.5 (MANE Select); coding-DNA position 194, T replaced by C.
Protein change: p.Ile65Thr; replaces isoleucine 65 with threonine.
Molecular consequence: missense variant. On other transcripts: non-coding transcript variant (1), intron variant (3).
Genome position (GRCh38, 1-based): chr9:95,508,168, A>G on the plus strand (T>C on the coding strand, the complement: PTCH1 is on the minus strand). VCF-style: chr9-95508168-A-G. GRCh37 (hg19) VCF-style: chr9-98270450-A-G.
Other names: c.194T>C, p.Ile65Thr (NM_001354918.2); c.199-1569T>C (NM_001083603.3); c.4-1569T>C (NM_001083602.3, NM_001354919.2); c.194T>C (NM_000264.3); short protein forms I65T.
Identifiers: ClinVar variation 1001253 (VCV001001253.10), dbSNP rs1843885007, ClinGen allele CA374121251.
Genomic context (GRCh38, chr9:95,508,168, plus strand): 5'-CCAAAGAGTTAGAGGAGGGAAGAGAAAGTGGGAGGAGAGAGTCTGAAATGCACCTTGGAA[A>G]TCTGCTCCAGAGCGAAGGCGGCGTCGCAGTAGCTGGGCCGGTGCAGATAGTCCCGGTCCG-3'
Protein context (NP_000255.2, residues 55-75): YCDAAFALEQ[Ile65Thr]SKGKATGRKA

ClinVar aggregate classification (germline): Uncertain significance. Review status: criteria provided, multiple submitters, no conflicts (2 of 4 stars). 2 submissions from 2 submitters: Uncertain significance (2). Last evaluated 2025-05-07.

Conditions:
Hereditary cancer-predisposing syndrome. Also called: Hereditary neoplastic syndrome; Neoplastic Syndromes, Hereditary; Tumor predisposition; Hereditary Cancer Syndrome. Identifiers: Orphanet 140162, MedGen C0027672, MeSH D009386, MONDO:0015356.
Gorlin syndrome. Also called: Nevoid Basal Cell Carcinoma Syndrome; Basal cell nevus syndrome. Identifiers: Orphanet 377, MedGen C0004779, MONDO:0007187.

Submissions (2):

Ambry Genetics
Classification: Uncertain significance for Hereditary cancer-predisposing syndrome. Last evaluated: 2025-05-07. Review status: criteria provided, single submitter. Criteria: Ambry Variant Classification Scheme 2023. Collection method: clinical testing. Allele origin: germline.
Comment: The p.I65T variant (also known as c.194T>C), located in coding exon 1 of the PTCH1 gene, results from a T to C substitution at nucleotide position 194. The isoleucine at codon 65 is replaced by threonine, an amino acid with similar properties. This amino acid position is conserved. In addition, this alteration is predicted to be deleterious by in silico analysis. Based on the available evidence, the clinical significance of this variant remains unclear.

Labcorp Genetics (formerly Invitae), Labcorp
Classification: Uncertain significance for Gorlin syndrome. Last evaluated: 2024-05-11. Review status: criteria provided, single submitter. Criteria: Invitae Variant Classification Sherloc (09022015). Collection method: clinical testing. Allele origin: germline.
Comment: This sequence change replaces isoleucine, which is neutral and non-polar, with threonine, which is neutral and polar, at codon 65 of the PTCH1 protein (p.Ile65Thr). This variant is not present in population databases (gnomAD no frequency). This variant has not been reported in the literature in individuals affected with PTCH1-related conditions. ClinVar contains an entry for this variant (Variation ID: 1001253). Advanced modeling of protein sequence and biophysical properties (such as structural, functional, and spatial information, amino acid conservation, physicochemical variation, residue mobility, and thermodynamic stability) performed at Invitae indicates that this missense variant is not expected to disrupt PTCH1 protein function with a negative predictive value of 95%. In summary, the available evidence is currently insufficient to determine the role of this variant in disease. Therefore, it has been classified as a Variant of Uncertain Significance.